The following is an entry in ClinVar:

ClinVar aggregate classification (germline): Uncertain significance. Review status: criteria provided, multiple submitters, no conflicts (2 of 4 stars). 2 submissions from 2 submitters: Uncertain significance (2). Last evaluated 2022-05-14.

Conditions:
Zellweger spectrum disorders (ZS). Also called: Zellweger Spectrum Disorder; Zellweger Spectrum; Zellweger syndrome; Zellweger Spectrum Disorder (ZSD). Identifiers: Orphanet 912, MedGen C0043459, MONDO:0019609.

Allele frequency attached by ClinVar (database versions not stated): TOPMed 0.00002.
gnomAD v4.1: 6 of 1,613,950 alleles (0.00037%); highest among the groups gnomAD compares: Admixed American, 0.005%; no homozygotes.

Submissions (3):

Labcorp Genetics (formerly Invitae), Labcorp
Classification: Uncertain significance for Zellweger spectrum disorders. Last evaluated: 2022-05-14. Review status: criteria provided, single submitter. Criteria: Invitae Variant Classification Sherloc (09022015). Collection method: clinical testing. Allele origin: germline.
Comment: This sequence change replaces alanine, which is neutral and non-polar, with serine, which is neutral and polar, at codon 159 of the PEX1 protein (p.Ala159Ser). This variant is present in population databases (no rsID available, gnomAD 0.006%). This variant has not been reported in the literature in individuals affected with PEX1-related conditions. ClinVar contains an entry for this variant (Variation ID: 598466). Algorithms developed to predict the effect of missense changes on protein structure and function output the following: SIFT: "Tolerated"; PolyPhen-2: "Benign"; Align-GVGD: "Class C0". The serine amino acid residue is found in multiple mammalian species, which suggests that this missense change does not adversely affect protein function. In summary, the available evidence is currently insufficient to determine the role of this variant in disease. Therefore, it has been classified as a Variant of Uncertain Significance.

Eurofins Ntd Llc (ga)
Classification: Uncertain significance. Last evaluated: 2018-09-04. Review status: criteria provided, single submitter. Criteria: EGL ClinVar v180209 classification definitions. Collection method: clinical testing. Allele origin: germline. Observed: 1 variant allele, 1 heterozygote.

Dr. Peter K. Rogan Lab, Western University
No classification provided (evidence only). Condition: Malignant tumor of esophagus. Review status: no classification provided. Collection method: in vitro. Allele origin: not applicable. Functional consequence: retained intron. Not counted in ClinVar's aggregate classification.

NM_000466.3(PEX1):c.475G>T (p.Ala159Ser)

Gene: PEX1 (peroxisomal biogenesis factor 1; minus strand). Cytogenetic location: 7q21.2.
Variant type: single nucleotide variant.
Coding change: c.475G>T on transcript NM_000466.3 (MANE Select); coding-DNA position 475, G replaced by T.
Protein change: p.Ala159Ser; replaces alanine 159 with serine.
Molecular consequence: missense variant. On other transcripts: 5 prime UTR variant (1).
Genome position (GRCh38, 1-based): chr7:92,518,040, C>A on the plus strand (G>T on the coding strand, the complement: PEX1 is on the minus strand). VCF-style: chr7-92518040-C-A. GRCh37 (hg19) VCF-style: chr7-92147354-C-A.
Other names: c.475G>T, p.Ala159Ser (NM_001282677.2); c.-150G>T (NM_001282678.2); short protein forms A159S.
Identifiers: ClinVar variation 598466 (VCV000598466.8), dbSNP rs372455445, ClinGen allele CA161973959.